The following is an entry in ClinVar:

NM_001011.4(RPS7):c.169C>T (p.Arg57Trp)

Gene: RPS7 (ribosomal protein S7; plus strand). Cytogenetic location: 2p25.3.
Variant type: single nucleotide variant.
Coding change: c.169C>T on transcript NM_001011.4 (MANE Select); coding-DNA position 169, C replaced by T.
Protein change: p.Arg57Trp; replaces arginine 57 with tryptophan.
Molecular consequence: missense variant.
Genome position (GRCh38, 1-based): chr2:3,576,508, C>T. VCF-style: chr2-3576508-C-T. GRCh37 (hg19) VCF-style: chr2-3624098-C-T.
Other names: short protein forms R57W.
Identifiers: ClinVar variation 1379713 (VCV001379713.6), dbSNP rs756780024, ClinGen allele CA1516600.

ClinVar aggregate classification (germline): Uncertain significance (1 of 4 stars; one submission).

Conditions:
Diamond-Blackfan anemia 8 (DBA8). Also called: RPS7-Related Diamond-Blackfan Anemia. Identifiers: Orphanet 124, MedGen C2675511, MONDO:0012939, OMIM 612563.

Allele frequency attached by ClinVar (database versions not stated): gnomAD exomes below 0.00001; ExAC 0.00001.
gnomAD v4.1: 3 of 1,613,800 alleles (0.00019%); highest among the groups gnomAD compares: South Asian, 0.0011%; no homozygotes.

Submission:

Labcorp Genetics (formerly Invitae), Labcorp
Classification: Uncertain significance for Diamond-Blackfan anemia 8. Last evaluated: 2021-08-03. Review status: criteria provided, single submitter. Criteria: Invitae Variant Classification Sherloc (09022015). Collection method: clinical testing. Allele origin: germline.
Comment: This sequence change replaces arginine with tryptophan at codon 57 of the RPS7 protein (p.Arg57Trp). The arginine residue is moderately conserved and there is a moderate physicochemical difference between arginine and tryptophan. This variant is present in population databases (rs756780024, ExAC 0.002%). This variant has not been reported in the literature in individuals affected with RPS7-related conditions. Algorithms developed to predict the effect of missense changes on protein structure and function are either unavailable or do not agree on the potential impact of this missense change (SIFT: "Deleterious"; PolyPhen-2: "Benign"; Align-GVGD: "Class C0"). In summary, the available evidence is currently insufficient to determine the role of this variant in disease. Therefore, it has been classified as a Variant of Uncertain Significance.